The following continues an entry in ClinVar:

NM_022436.3(ABCG5):c.1336C>T (p.Arg446Ter)

ClinVar aggregate classification (germline): Pathogenic/Likely pathogenic. Pathogenic (19); Likely pathogenic (3).

Submissions 16 to 25 of 25:

Fulgent Genetics
Classification: Pathogenic for Sitosterolemia 2. Last evaluated: 2021-09-14. Review status: criteria provided, single submitter. Criteria: ACMG Guidelines, 2015. Collection method: clinical testing. Allele origin: unknown.

Cardiovascular Genetics Laboratory, PathWest Laboratory Medicine WA - Fiona Stanley Hospital
Classification: Pathogenic for Sitosterolemia 2. Last evaluated: 2021-07-30. Review status: criteria provided, single submitter. Criteria: ACMG Guidelines, 2015. Collection method: clinical testing. Allele origin: germline.

Baylor Genetics
Classification: Pathogenic for Sitosterolemia 2. Last evaluated: 2020-08-28. Review status: criteria provided, single submitter. Criteria: ACMG Guidelines, 2015. Collection method: clinical testing. Allele origin: unknown. Affected: yes.
Comment: This variant was determined to be pathogenic according to ACMG Guidelines, 2015 [PMID:25741868].

Laboratory for Molecular Medicine, Mass General Brigham Personalized Medicine
Classification: Pathogenic for Sitosterolemia. Last evaluated: 2018-09-06. Review status: criteria provided, single submitter. Criteria: LMM Criteria. Collection method: clinical testing. Allele origin: germline. Inheritance: Autosomal recessive inheritance. Observed: 1 variant allele.
Comment: The p.Arg446X variant in ABCG5 has been reported in at least 10 individuals with sitosterolemia, all of whom were homozygous or compound heterozygous, and segre gated with disease in 7 affected family members from 4 families (Kratz 2007, Man nucci 2007, Togo 2009, Rios 2010, Niu 2010, Wang 2011, Park 2014, Wang 2014, Tad a 2015, Li 2016, Pek 2017, Buonuomo 2017, Fang 2018). This variant has also been identified in 0.09% (16/18858) of East Asian chromosomes by gnomAD. However, this frequency is low enough to be consistent w ith a recessive carrier frequency. This nonsense variant leads to a premature te rmination codon at position 446, which is predicted to lead to a truncated or ab sent protein. Loss of function of the ABCG5 gene is an established disease mecha nism in autosomal recessive sitosterolemia; however, this condition is known to have variable expressivity and reduced penetrance. In summary, this variant meet s criteria to be classified as pathogenic for autosomal recessive sitosterolemia based on case observations, segregation studies, and predicted impact on protei n. ACMG/AMP criteria applied: PVS1, PM3_VeryStrong, PP1_Strong.

Illumina Laboratory Services, Illumina
Classification: Pathogenic for Sitosterolemia 1. Last evaluated: 2017-04-27. Review status: criteria provided, single submitter. Criteria: ICSL Variant Classification Criteria 09 May 2019. Collection method: clinical testing. Allele origin: germline.
Comment: The ABCG5 c.1336C>T (p.Arg446Ter) variant is a stop-gained variant that has been reported in seven studies in which it is found in a total of 11 individuals with sitosterolemia, including four in a homozygous state (of which three are related) and six in a compound heterozygous state. The variant was also detected in a compound heterozygous state in an asymptomatic sibling (Mannucci et al. 2007; Kratz et al. 2007; Nui et al. 2010; Rios et al. 2010; Park et al. 2014; Tada et al. 2015; Li et al. 2016). Control data are unavailable for the p.Arg446Ter variant, which is reported at a frequency of 0.00071 in the East Asian population of the Exome Aggregation Consortium. Due to the potential impact of stop-gained variants and the supporting evidence, the p.Arg446Ter variant is classified as pathogenic for sitosterolemia. This variant was observed by ICSL as part of a predisposition screen in an ostensibly healthy population.

Pediatric Genetics Division, Center for Pediatrics and Adolescent Medicine, University Medical Center Freiburg
Classification: Pathogenic for Sitosterolemia 1. Last evaluated: 2013-09-01. Review status: criteria provided, single submitter. Criteria: ACMG Guidelines, 2015. Collection method: research. Allele origin: germline. Inheritance: Autosomal recessive inheritance. Affected: no and yes. Observed: 3 heterozygotes, 1 homozygote. Segregation with disease observed.

Juno Genomics, Hangzhou Juno Genomics, Inc
Classification: Pathogenic for Sitosterolemia 2. Review status: criteria provided, single submitter. Criteria: ACMG Guidelines, 2015. Collection method: clinical testing. Allele origin: germline. Affected: yes.
Comment: Null variant in a gene where loss of function (LOF) is a known mechanism of disease.;For recessive disorders, detected in trans with a pathogenic variant.;Co-segregation with disease in multiple affected family members.

OMIM
Classification: Pathogenic for SITOSTEROLEMIA 2. Last evaluated: 2010-11-15. Review status: no assertion criteria provided. Collection method: literature only. Allele origin: germline. Not counted in ClinVar's aggregate classification.

Clinical Genetics DNA and cytogenetics Diagnostics Lab, Erasmus MC, Erasmus Medical Center
Classification: Pathogenic. Review status: no assertion criteria provided. Collection method: clinical testing. Allele origin: germline. Affected: yes. Study: VKGL Data-share Consensus. Not counted in ClinVar's aggregate classification.

Clinical Genetics, Academic Medical Center
Classification: Pathogenic. Review status: no assertion criteria provided. Collection method: clinical testing. Allele origin: germline. Affected: yes. Study: VKGL Data-share Consensus. Not counted in ClinVar's aggregate classification.

Literature cited by the submitters: PubMed 17228349 (cited by 5 submitters); PubMed 17976197 (cited by 8 submitters); PubMed 20521169 (cited by 6 submitters); PubMed 20719861 (cited by 7 submitters); PubMed 24423340 (cited by 3 submitters); PubMed 25665839 (cited by 5 submitters); PubMed 26813946 (cited by 6 submitters); PubMed 11138003 (cited by Labcorp Genetics (formerly Invitae), Labcorp); PubMed 34304999 (cited by 3 submitters); PubMed 34887220 (cited by Labcorp Genetics (formerly Invitae), Labcorp and Mayo Clinic Laboratories, Mayo Clinic); PubMed 34969652 (cited by 3 submitters); PubMed 19111681 (cited by 4 submitters); PubMed 24166850 (cited by 5 submitters); PubMed 28521186 (cited by 5 submitters); PubMed 29055934 (cited by 3 submitters); PubMed 30528907 (cited by 3 submitters); PubMed 30697800 (cited by Mayo Clinic Laboratories, Mayo Clinic); PubMed 34268478 (cited by Mayo Clinic Laboratories, Mayo Clinic and Ambry Genetics); PubMed 36726196 (cited by Mayo Clinic Laboratories, Mayo Clinic); PubMed 31392106 (cited by Ambry Genetics); PubMed 36229885 (cited by Ambry Genetics); PubMed 27884173 (cited by AiLife Diagnostics); PubMed 31060161 (cited by AiLife Diagnostics); PubMed 31589614 (cited by AiLife Diagnostics); PubMed 30833958 (cited by AiLife Diagnostics); PubMed 32041611 (cited by AiLife Diagnostics); PubMed 33217533 (cited by AiLife Diagnostics); PubMed 33269076 (cited by AiLife Diagnostics); PubMed 32862661 (cited by AiLife Diagnostics); PubMed 29353225 (cited by AiLife Diagnostics and Laboratory for Molecular Medicine, Mass General Brigham Personalized Medicine); PubMed 32088153 (cited by AiLife Diagnostics); PubMed 21729603 (cited by AiLife Diagnostics and Laboratory for Molecular Medicine, Mass General Brigham Personalized Medicine); PubMed 25525159 (cited by AiLife Diagnostics); PubMed 29886606 (cited by Laboratory for Molecular Medicine, Mass General Brigham Personalized Medicine).